The following is an entry in ClinVar:

NM_033305.3(VPS13A):c.8664C>A (p.Tyr2888Ter)

Gene: VPS13A (vacuolar protein sorting 13 homolog A; plus strand). Cytogenetic location: 9q21.2.
Variant type: single nucleotide variant.
Coding change: c.8664C>A on transcript NM_033305.3 (MANE Select); coding-DNA position 8664, C replaced by A.
Protein change: p.Tyr2888Ter; replaces tyrosine 2888 with a stop codon.
Molecular consequence: nonsense.
Genome position (GRCh38, 1-based): chr9:77,369,409, C>A. VCF-style: chr9-77369409-C-A. GRCh37 (hg19) VCF-style: chr9-79984325-C-A.
Other names: c.8547C>A, p.Tyr2849Ter (NM_001018037.2); c.8664C>A, p.Tyr2888Ter (NM_001018038.3, NM_015186.4); short protein forms Y2849*, Y2888*.
Identifiers: ClinVar variation 1451552 (VCV001451552.6), dbSNP rs1241810634, ClinGen allele CA373866280.

ClinVar aggregate classification (germline): Pathogenic (1 of 4 stars; one submission).

Allele frequency attached by ClinVar (database versions not stated): gnomAD exomes below 0.00001.
gnomAD v4.1: 3 of 1,577,522 alleles (0.00019%); highest among the groups gnomAD compares: Non-Finnish European, 0.00017%; no homozygotes.

Submission:

Labcorp Genetics (formerly Invitae), Labcorp
Classification: Pathogenic. Last evaluated: 2022-09-13. Review status: criteria provided, single submitter. Criteria: Invitae Variant Classification Sherloc (09022015). Collection method: clinical testing. Allele origin: germline.
Comment: For these reasons, this variant has been classified as Pathogenic. ClinVar contains an entry for this variant (Variation ID: 1451552). This variant has not been reported in the literature in individuals affected with VPS13A-related conditions. This variant is present in population databases (no rsID available, gnomAD 0.0009%). This sequence change creates a premature translational stop signal (p.Tyr2888*) in the VPS13A gene. It is expected to result in an absent or disrupted protein product. Loss-of-function variants in VPS13A are known to be pathogenic (PMID: 12404112, 21598378).

Literature cited by the submitters: PubMed 12404112; PubMed 21598378.